The following is an entry in ClinVar:

NM_032638.5(GATA2):c.621C>G (p.Asp207Glu)

Gene: GATA2 (GATA binding protein 2; minus strand). Cytogenetic location: 3q21.3.
Variant type: single nucleotide variant.
Coding change: c.621C>G on transcript NM_032638.5 (MANE Select); coding-DNA position 621, C replaced by G.
Protein change: p.Asp207Glu; replaces aspartic acid 207 with glutamic acid.
Molecular consequence: missense variant.
Genome position (GRCh38, 1-based): chr3:128,485,977, G>C on the plus strand (C>G on the coding strand, the complement: GATA2 is on the minus strand). VCF-style: chr3-128485977-G-C. GRCh37 (hg19) VCF-style: chr3-128204820-G-C.
Other names: c.621C>G, p.Asp207Glu (NM_001145661.2, NM_001145662.1); short protein forms D207E.
Identifiers: ClinVar variation 4620641 (VCV004620641.1).
Genomic context (GRCh38, chr3:128,485,977, plus strand): 5'-ACTGCCACTTTCCATCTTCATGCTCTCCGTCAGTGACACCTGGTACTTGACGCCGTCCTT[G>C]TCCTCTCCTCGGGCTGCACTACCCCCCGCGGAAGATGAGGCTGGAGACGCAGCCCCCGTG-3'
Protein context (NP_116027.2, residues 197-217): SAGGSAARGE[Asp207Glu]KDGVKYQVSL

ClinVar aggregate classification (germline): Uncertain significance (1 of 4 stars; one submission).

Conditions:
Inborn genetic diseases. Identifiers: MedGen C0950123, MeSH D030342.

gnomAD v4.1: 1 of 1,614,204 alleles (0.000062%); highest among the groups gnomAD compares: Non-Finnish European, 0.000085%; no homozygotes.

Submission:

Ambry Genetics
Classification: Uncertain significance for Inborn genetic diseases. Last evaluated: 2025-11-19. Review status: criteria provided, single submitter. Criteria: Ambry Variant Classification Scheme 2023. Collection method: clinical testing. Allele origin: germline.
Comment: The p.D207E variant (also known as c.621C>G), located in coding exon 2 of the GATA2 gene, results from a C to G substitution at nucleotide position 621. The aspartic acid at codon 207 is replaced by glutamic acid, an amino acid with highly similar properties. This amino acid position is conserved. In addition, this alteration is predicted to be tolerated by in silico analysis. Based on the available evidence, the clinical significance of this variant remains unclear.